The following is an entry in ClinVar:

ClinVar aggregate classification (germline): Likely pathogenic (1 of 4 stars; one submission).

Conditions:
Combined immunodeficiency due to DOCK8 deficiency (HIES2). Also called: HIES autosomal recessive; DOCK8 Deficiency; Hyper-IgE recurrent infection syndrome, autosomal recessive; HYPER-IgE SYNDROME 2, AUTOSOMAL RECESSIVE, WITH RECURRENT INFECTIONS; HYPER-IgE RECURRENT INFECTION SYNDROME 2, AUTOSOMAL RECESSIVE. Identifiers: Orphanet 217390, MedGen C4722305, MONDO:0009478, OMIM 243700.

Submission:

Labcorp Genetics (formerly Invitae), Labcorp
Classification: Likely pathogenic for Combined immunodeficiency due to DOCK8 deficiency. Last evaluated: 2022-04-04. Review status: criteria provided, single submitter. Criteria: Invitae Variant Classification Sherloc (09022015). Collection method: clinical testing. Allele origin: germline.
Comment: This variant has not been reported in the literature in individuals affected with DOCK8-related conditions. This variant is not present in population databases (gnomAD no frequency). This sequence change affects an acceptor splice site in intron 31 of the DOCK8 gene. It is expected to disrupt RNA splicing. Variants that disrupt the donor or acceptor splice site typically lead to a loss of protein function (PMID: 16199547), and loss-of-function variants in DOCK8 are known to be pathogenic (PMID: 14722525, 19776401). Algorithms developed to predict the effect of sequence changes on RNA splicing suggest that this variant may disrupt the consensus splice site. In summary, the currently available evidence indicates that the variant is pathogenic, but additional data are needed to prove that conclusively. Therefore, this variant has been classified as Likely Pathogenic.

Literature cited by the submitters: PubMed 16199547; PubMed 14722525; PubMed 19776401.

NM_203447.4(DOCK8):c.4024-2A>G

Gene: DOCK8 (dedicator of cytokinesis 8; plus strand). Cytogenetic location: 9p24.3.
Variant type: single nucleotide variant.
Coding change: c.4024-2A>G on transcript NM_203447.4 (MANE Select); the canonical splice acceptor site of the intron before coding-DNA position 4024, A replaced by G.
Molecular consequence: splice acceptor variant.
Genome position (GRCh38, 1-based): chr9:420,947, A>G. VCF-style: chr9-420947-A-G. GRCh37 (hg19) VCF-style: chr9-420947-A-G.
Other names: c.3820-2A>G (NM_001193536.2); c.3724-2A>G (NM_001190458.2).
Identifiers: ClinVar variation 2121705 (VCV002121705.4), dbSNP rs2538794640, ClinGen allele CA372764260.